The following is an entry in ClinVar:

ClinVar aggregate classification (germline): Uncertain significance. Review status: criteria provided, multiple submitters, no conflicts (2 of 4 stars). 3 submissions from 3 submitters: Uncertain significance (3). Last evaluated 2025-06-12.

Conditions:
Autosomal recessive limb-girdle muscular dystrophy type 2W (MDRCMTT). Also called: Muscular dystrophy, limb-girdle, type 2W; Muscular dystrophy, autosomal recessive, with cardiomyopathy and triangular tongue. Identifiers: MedGen C4225192, MONDO:0014788, OMIM 616827.

Allele frequency attached by ClinVar (database versions not stated): gnomAD 0.00005 and 0.00006; gnomAD exomes 0.00005 and 0.00010; ExAC 0.00007; ESP Exome Variant Server 0.00008; TOPMed 0.00009; 1000 Genomes Project 30x 0.00016; 1000 Genomes Project 0.00020.
gnomAD v4.1: 96 of 1,613,324 alleles (0.006%); highest among the groups gnomAD compares: Middle Eastern, 0.1%; no homozygotes.

Submissions (3):

Labcorp Genetics (formerly Invitae), Labcorp
Classification: Uncertain significance for Autosomal recessive limb-girdle muscular dystrophy type 2W. Last evaluated: 2025-06-12. Review status: criteria provided, single submitter. Criteria: Invitae Variant Classification Sherloc (09022015). Collection method: clinical testing. Allele origin: germline.
Comment: This sequence change replaces glutamic acid, which is acidic and polar, with lysine, which is basic and polar, at codon 287 of the LIMS2 protein (p.Glu287Lys). This variant is present in population databases (rs199761833, gnomAD 0.04%). This variant has not been reported in the literature in individuals affected with LIMS2-related conditions. ClinVar contains an entry for this variant (Variation ID: 475551). Invitae Evidence Modeling of protein sequence and biophysical properties (such as structural, functional, and spatial information, amino acid conservation, physicochemical variation, residue mobility, and thermodynamic stability) indicates that this missense variant is not expected to disrupt LIMS2 protein function with a negative predictive value of 80%. In summary, the available evidence is currently insufficient to determine the role of this variant in disease. Therefore, it has been classified as a Variant of Uncertain Significance.

Ambry Genetics
Classification: Uncertain significance. Last evaluated: 2025-05-29. Review status: criteria provided, single submitter. Criteria: Ambry Variant Classification Scheme 2023. Collection method: clinical testing. Allele origin: germline.

Blueprint Genetics
Classification: Uncertain significance. Last evaluated: 2024-11-20. Review status: criteria provided, single submitter. Criteria: ACMG Guidelines, 2015. Collection method: clinical testing. Allele origin: germline.

NM_001161403.3(LIMS2):c.793G>A (p.Glu265Lys)

Gene: LIMS2 (LIM zinc finger domain containing 2; minus strand). Cytogenetic location: 2q14.3.
Variant type: single nucleotide variant.
Coding change: c.793G>A on transcript NM_001161403.3 (MANE Select); coding-DNA position 793, G replaced by A.
Protein change: p.Glu265Lys; replaces glutamic acid 265 with lysine.
Molecular consequence: missense variant.
Genome position (GRCh38, 1-based): chr2:127,640,279, C>T on the plus strand (G>A on the coding strand, the complement: LIMS2 is on the minus strand). VCF-style: chr2-127640279-C-T. GRCh37 (hg19) VCF-style: chr2-128397854-C-T.
Other names: c.859G>A, p.Glu287Lys (NM_001136037.4); c.778G>A, p.Glu260Lys (NM_001161404.2); c.337G>A, p.Glu113Lys (NM_001256542.2); c.865G>A, p.Glu289Lys (NM_017980.5); short protein forms E289K, E260K, E265K, E287K, E113K.
Identifiers: ClinVar variation 475551 (VCV000475551.12), dbSNP rs199761833, ClinGen allele CA1862886.